The following is an entry in ClinVar:

NM_000540.3(RYR1):c.776G>A (p.Trp259Ter)

Gene: RYR1 (ryanodine receptor 1; plus strand). Cytogenetic location: 19q13.2.
Variant type: single nucleotide variant.
Coding change: c.776G>A on transcript NM_000540.3 (MANE Select); coding-DNA position 776, G replaced by A.
Protein change: p.Trp259Ter; replaces tryptophan 259 with a stop codon.
Molecular consequence: nonsense.
Genome position (GRCh38, 1-based): chr19:38,446,744, G>A. VCF-style: chr19-38446744-G-A. GRCh37 (hg19) VCF-style: chr19-38937384-G-A.
Other names: c.776G>A, p.Trp259Ter (NM_001042723.2); short protein forms W259*.
Identifiers: ClinVar variation 2768385 (VCV002768385.4), dbSNP rs2513988028, ClinGen allele CA405680384.

ClinVar aggregate classification (germline): Conflicting classifications of pathogenicity. Review status: criteria provided, conflicting classifications (1 of 4 stars). 2 submissions from 2 submitters: Pathogenic (1); Uncertain significance (1). Last evaluated 2023-10-14.

Conditions:
Malignant hyperthermia, susceptibility to, 1 (MHS1). Also called: RYR1-Related Malignant Hyperthermia Susceptibility; Malignant hyperthermia suceptibility 1; Anesthesia related hyperthermia; Malignant hyperpyrexia; Fulminating hyperpyrexia; Pharmacogenic myopathy. Identifiers: Orphanet 423, MedGen C2930980, MONDO:0007783, OMIM 145600.
RYR1-related disorder. Also called: RYR1-related condition; RYR1-related disorders. Identifiers: MedGen CN239331.

Submissions (2):

Labcorp Genetics (formerly Invitae), Labcorp
Classification: Pathogenic for RYR1-related disorder. Last evaluated: 2023-10-14. Review status: criteria provided, single submitter. Criteria: Invitae Variant Classification Sherloc (09022015). Collection method: clinical testing. Allele origin: germline.
Comment: This sequence change creates a premature translational stop signal (p.Trp259*) in the RYR1 gene. It is expected to result in an absent or disrupted protein product. Loss-of-function variants in RYR1 are known to be pathogenic (PMID: 23919265, 25960145, 28818389, 30611313). This variant is not present in population databases (gnomAD no frequency). This variant has not been reported in the literature in individuals affected with RYR1-related conditions. For these reasons, this variant has been classified as Pathogenic.

All of Us Research Program, National Institutes of Health
Classification: Uncertain significance for Malignant hyperthermia, susceptibility to, 1. Last evaluated: 2023-10-06. Review status: criteria provided, single submitter. Criteria: ACMG Guidelines, 2015. Collection method: clinical testing. Allele origin: germline. Inheritance: Autosomal dominant inheritance. Observed: 1 variant allele, 1 heterozygote.
Comment: This variant changes 1 nucleotide in exon 9 of the RYR1 gene, creating a premature translation stop signal. This variant is expected to result in an absent or non-functional protein product. To our knowledge, this variant has not been reported in individuals affected with RYR1-related disorders in the literature. This variant has not been identified in the general population by the Genome Aggregation Database (gnomAD). Loss of RYR1 function due to truncation variants is not an established disease mechanism for autosomal dominant malignant hyperthermia, although it is associated with other phenotype(s). Due to insufficient evidence, this variant is classified as a Variant of Uncertain Significance for autosomal dominant malignant hyperthermia.

This study involves interpretation of variants in research participants for the purpose of population health screening. Participant phenotype was not available at the time of variant classification. Additional details can be found in publication PMID: 35346344, PMCID: PMC8962531

Literature cited by the submitters: PubMed 23919265 (cited by Labcorp Genetics (formerly Invitae), Labcorp); PubMed 25960145 (cited by Labcorp Genetics (formerly Invitae), Labcorp); PubMed 28818389 (cited by Labcorp Genetics (formerly Invitae), Labcorp); PubMed 30611313 (cited by Labcorp Genetics (formerly Invitae), Labcorp).